The following is an entry in ClinVar:

ClinVar aggregate classification (germline): Uncertain significance (1 of 4 stars; one submission).

Allele frequency attached by ClinVar (database versions not stated): gnomAD exomes below 0.00001; TOPMed below 0.00001.
gnomAD v4.1: 5 of 1,612,908 alleles (0.00031%); highest among the groups gnomAD compares: Non-Finnish European, 0.00034%; no homozygotes.

Submission:

Labcorp Genetics (formerly Invitae), Labcorp
Classification: Uncertain significance. Last evaluated: 2021-08-31. Review status: criteria provided, single submitter. Criteria: Invitae Variant Classification Sherloc (09022015). Collection method: clinical testing. Allele origin: germline.
Comment: This sequence change replaces glycine with arginine at codon 238 of the AGPS protein (p.Gly238Arg). The glycine residue is highly conserved and there is a moderate physicochemical difference between glycine and arginine. This variant is not present in population databases (ExAC no frequency). This variant has not been reported in the literature in individuals affected with AGPS-related conditions. Algorithms developed to predict the effect of missense changes on protein structure and function are either unavailable or do not agree on the potential impact of this missense change (SIFT: "Deleterious"; PolyPhen-2: "Probably Damaging"; Align-GVGD: "Class C0"). In summary, the available evidence is currently insufficient to determine the role of this variant in disease. Therefore, it has been classified as a Variant of Uncertain Significance.

NM_003659.4(AGPS):c.712G>A (p.Gly238Arg)

Gene: AGPS (alkylglycerone phosphate synthase; plus strand). Cytogenetic location: 2q31.2.
Variant type: single nucleotide variant.
Coding change: c.712G>A on transcript NM_003659.4 (MANE Select); coding-DNA position 712, G replaced by A.
Protein change: p.Gly238Arg; replaces glycine 238 with arginine.
Molecular consequence: missense variant.
Genome position (GRCh38, 1-based): chr2:177,442,409, G>A. VCF-style: chr2-177442409-G-A. GRCh37 (hg19) VCF-style: chr2-178307137-G-A.
Other names: short protein forms G238R.
Identifiers: ClinVar variation 1006093 (VCV001006093.6), dbSNP rs1686634518, ClinGen allele CA349702980.